The following is an entry in ClinVar:

ClinVar aggregate classification (germline): Benign (1 of 4 stars; one submission).

Allele frequency attached by ClinVar (database versions not stated): gnomAD 0.08978 and 0.09026; TOPMed 0.09418; 1000 Genomes Project 0.10723; 1000 Genomes Project 30x 0.11149.
gnomAD v4.1: 13,642 of 152,172 alleles (9%); highest among the groups gnomAD compares: African/African-American, 16%; 770 homozygotes.

Submission:

GeneDx
Classification: Benign. Last evaluated: 2018-06-14. Review status: criteria provided, single submitter. Criteria: GeneDx Variant Classification (06012015). Collection method: clinical testing. Allele origin: germline. Affected: yes.
Comment: This variant is considered likely benign or benign based on one or more of the following criteria: it is a conservative change, it occurs at a poorly conserved position in the protein, it is predicted to be benign by multiple in silico algorithms, and/or has population frequency not consistent with disease.

NM_001098511.3(KIF2A):c.873-280T>C

Gene: KIF2A (kinesin family member 2A; plus strand). Cytogenetic location: 5q12.1.
Variant type: single nucleotide variant.
Coding change: c.873-280T>C on transcript NM_001098511.3 (MANE Select); 280 bases into the intron before coding-DNA position 873, T replaced by C.
Molecular consequence: intron variant.
Genome position (GRCh38, 1-based): chr5:62,360,962, T>C. VCF-style: chr5-62360962-T-C. GRCh37 (hg19) VCF-style: chr5-61656789-T-C.
Other names: c.792-280T>C (NM_001243952.2); c.873-280T>C (NM_004520.5); c.816-280T>C (NM_001243953.2).
Identifiers: ClinVar variation 672387 (VCV000672387.1), dbSNP rs55721963, ClinGen allele CA120081552.